The following is an entry in ClinVar:

NM_022168.4(IFIH1):c.2542G>A (p.Asp848Asn)

Gene: IFIH1 (interferon induced with helicase C domain 1; minus strand). Cytogenetic location: 2q24.2.
Variant type: single nucleotide variant.
Coding change: c.2542G>A on transcript NM_022168.4 (MANE Select); coding-DNA position 2542, G replaced by A.
Protein change: p.Asp848Asn; replaces aspartic acid 848 with asparagine.
Molecular consequence: missense variant.
Genome position (GRCh38, 1-based): chr2:162,272,300, C>T on the plus strand (G>A on the coding strand, the complement: IFIH1 is on the minus strand). VCF-style: chr2-162272300-C-T. GRCh37 (hg19) VCF-style: chr2-163128810-C-T.
Other names: c.2542G>A (NM_022168.3); short protein forms D848N.
Identifiers: ClinVar variation 2105190 (VCV002105190.5), dbSNP rs1691055567, ClinGen allele CA348994205.

ClinVar aggregate classification (germline): Uncertain significance. Review status: criteria provided, multiple submitters, no conflicts (2 of 4 stars). 2 submissions from 2 submitters: Uncertain significance (2). Last evaluated 2024-02-24.

Conditions:
Singleton-Merten syndrome 1 (SGMRT1). Also called: Widened medullary cavities of bone, aortic calcification, abnormal dentition, and muscular weakness; Syndrome of widened medullary cavities of the metacarpals and phalanges, aortic calcification and abnormal dentition. Identifiers: Orphanet 85191, MedGen C4225427, MONDO:0024535, OMIM 182250.
Aicardi-Goutieres syndrome 7 (AGS7). Identifiers: Orphanet 51, MedGen C3888244, MONDO:0014367, OMIM 615846.

Allele frequency attached by ClinVar (database versions not stated): gnomAD exomes below 0.00001.
gnomAD v4.1: 3 of 1,613,084 alleles (0.00019%); highest among the groups gnomAD compares: Middle Eastern, 0.017%; no homozygotes.

Submissions (2):

Labcorp Genetics (formerly Invitae), Labcorp
Classification: Uncertain significance for Aicardi-Goutieres syndrome 7; Singleton-Merten syndrome 1. Last evaluated: 2024-02-24. Review status: criteria provided, single submitter. Criteria: Invitae Variant Classification Sherloc (09022015). Collection method: clinical testing. Allele origin: germline.
Comment: This sequence change replaces aspartic acid, which is acidic and polar, with asparagine, which is neutral and polar, at codon 848 of the IFIH1 protein (p.Asp848Asn). This variant is not present in population databases (gnomAD no frequency). This variant has not been reported in the literature in individuals affected with IFIH1-related conditions. ClinVar contains an entry for this variant (Variation ID: 2105190). Advanced modeling of protein sequence and biophysical properties (such as structural, functional, and spatial information, amino acid conservation, physicochemical variation, residue mobility, and thermodynamic stability) has been performed at Invitae for this missense variant, however the output from this modeling did not meet the statistical confidence thresholds required to predict the impact of this variant on IFIH1 protein function. In summary, the available evidence is currently insufficient to determine the role of this variant in disease. Therefore, it has been classified as a Variant of Uncertain Significance.

GeneDx
Classification: Uncertain significance. Last evaluated: 2022-09-19. Review status: criteria provided, single submitter. Criteria: GeneDx Variant Classification Process June 2021. Collection method: clinical testing. Allele origin: germline. Affected: yes.
Comment: Not observed at significant frequency in large population cohorts (gnomAD); In silico analysis supports that this missense variant does not alter protein structure/function; Has not been previously published as pathogenic or benign to our knowledge